The following is an entry in ClinVar:

ClinVar aggregate classification (germline): Conflicting classifications of pathogenicity. Review status: criteria provided, conflicting classifications (1 of 4 stars). 2 submissions from 2 submitters: Likely pathogenic (1); Uncertain significance (1). Last evaluated 2024-01-06.

Submissions (2):

Labcorp Genetics (formerly Invitae), Labcorp
Classification: Uncertain significance. Last evaluated: 2024-01-06. Review status: criteria provided, single submitter. Criteria: Invitae Variant Classification Sherloc (09022015). Collection method: clinical testing. Allele origin: germline.
Comment: This sequence change replaces glycine, which is neutral and non-polar, with glutamic acid, which is acidic and polar, at codon 522 of the MAST1 protein (p.Gly522Glu). This variant is not present in population databases (gnomAD no frequency). This missense change has been observed in individual(s) with MAST1-related conditions (PMID: 32198973). In at least one individual the variant was observed to be de novo. ClinVar contains an entry for this variant (Variation ID: 808458). An algorithm developed to predict the effect of missense changes on protein structure and function (PolyPhen-2) suggests that this variant is likely to be disruptive. In summary, the available evidence is currently insufficient to determine the role of this variant in disease. Therefore, it has been classified as a Variant of Uncertain Significance.

CeGaT Center for Human Genetics Tuebingen
Classification: Likely pathogenic. Last evaluated: 2019-05-01. Review status: criteria provided, single submitter. Criteria: CeGaT Center For Human Genetics Tuebingen Variant Classification Criteria Version 2. Collection method: clinical testing. Allele origin: germline. Affected: yes. Observed: 1 variant allele.

Literature cited by the submitters: PubMed 32198973 (cited by Labcorp Genetics (formerly Invitae), Labcorp).

NM_014975.3(MAST1):c.1565G>A (p.Gly522Glu)

Gene: MAST1 (microtubule associated serine/threonine kinase 1; plus strand). Cytogenetic location: 19p13.13.
Variant type: single nucleotide variant.
Coding change: c.1565G>A on transcript NM_014975.3 (MANE Select); coding-DNA position 1565, G replaced by A.
Protein change: p.Gly522Glu; replaces glycine 522 with glutamic acid.
Molecular consequence: missense variant.
Genome position (GRCh38, 1-based): chr19:12,865,105, G>A. VCF-style: chr19-12865105-G-A. GRCh37 (hg19) VCF-style: chr19-12975919-G-A.
Other names: short protein forms G522E.
Identifiers: ClinVar variation 808458 (VCV000808458.45), dbSNP rs1323140691, ClinGen allele CA404272069.
Genomic context (GRCh38, chr19:12,865,105, plus strand): 5'-GCCTCCTTATCACCTCCATGGGTCACATCAAGCTCACAGATTTCGGCCTCTCCAAGATGG[G>A]GCTCATGAGCCTCACCACCAACTTATATGAAGGCCACATCGAGAAGGACGCCCGAGAGTT-3'
Protein context (NP_055790.1, residues 512-532): KLTDFGLSKM[Gly522Glu]LMSLTTNLYE